The following is an entry in ClinVar:

NM_007294.4(BRCA1):c.594-1G>A

Gene: BRCA1 (BRCA1 DNA repair associated; minus strand). Cytogenetic location: 17q21.31.
Variant type: single nucleotide variant.
Coding change: c.594-1G>A on transcript NM_007294.4 (MANE Select); the canonical splice acceptor site of the intron before coding-DNA position 594, G replaced by A.
Molecular consequence: splice acceptor variant. On other transcripts: intron variant (115).
Genome position (GRCh38, 1-based): chr17:43,095,923, C>T on the plus strand (G>A on the coding strand, the complement: BRCA1 is on the minus strand). VCF-style: chr17-43095923-C-T. GRCh37 (hg19) VCF-style: chr17-41247940-C-T.
Other names: c.591-1G>A (NM_001408399.1, NM_001407984.1, NM_001407645.1 and 41 more transcripts); c.594-1G>A (NM_001407616.1, NM_007300.4, NM_001407975.1 and 58 more transcripts); c.548-1063G>A (NM_001408443.1, NM_001408439.1, NM_001408425.1 and 34 more transcripts); c.453-1G>A (NM_001408458.1, NM_001408469.1, NM_001408453.1 and 43 more transcripts); c.-218-1063G>A (NM_001407967.1, NM_001407966.1); c.213-1G>A (NM_001407959.1, NM_001408510.1, NM_001407963.1 and 1 more transcripts); c.404-1063G>A (NM_001407931.1, NM_001407932.1, NM_001408503.1 and 5 more transcripts); c.450-1G>A (NM_001407747.1, NM_001408470.1, NM_001407848.1 and 26 more transcripts); and 17 more.
Identifiers: ClinVar variation 441303 (VCV000441303.18), dbSNP rs757781708, ClinGen allele CA10600923.

ClinVar aggregate classification (germline): Uncertain significance. Review status: criteria provided, multiple submitters, no conflicts (2 of 4 stars). 3 submissions from 3 submitters: Uncertain significance (3). Last evaluated 2025-07-21.

Conditions:
Hereditary cancer-predisposing syndrome. Also called: Hereditary Cancer Syndrome; Hereditary neoplastic syndrome; Neoplastic Syndromes, Hereditary; Tumor predisposition. Identifiers: Orphanet 140162, MedGen C0027672, MeSH D009386, MONDO:0015356.
Hereditary breast ovarian cancer syndrome. Also called: Hereditary breast and ovarian cancer; Breast and ovarian cancer; Hereditary breast and ovarian cancer syndrome; Hereditary breast and/or ovarian cancer syndrome; BRCA1- and BRCA2-Associated Hereditary Breast and Ovarian Cancer; Hereditary breast and ovarian cancer syndrome (HBOC). Identifiers: Orphanet 145, MedGen C0677776, MeSH D061325, MONDO:0003582. Disease mechanism: loss of function.

Submissions (3):

Labcorp Genetics (formerly Invitae), Labcorp
Classification: Uncertain significance for Hereditary breast ovarian cancer syndrome. Last evaluated: 2025-07-21. Review status: criteria provided, single submitter. Criteria: Invitae Variant Classification Sherloc (09022015). Collection method: clinical testing. Allele origin: germline.
Comment: This sequence change affects an acceptor splice site in intron 8 of the BRCA1 gene. Loss-of-function variants in BRCA1 are expected to be pathogenic (PMID: 20104584). However, an in-frame BRCA1 isoform lacking exons 8 and 9 (also known as exons 9 and 10) is highly expressed in blood from unaffected individuals and in normal breast tissue; this isoform may retain protein function and could functionally rescue loss-of-function variants within exons 8-9 (PMID: 24569164). This variant is not present in population databases (gnomAD no frequency). Disruption of this splice site has been observed in individual(s) with breast cancer (PMID: 33151324). ClinVar contains an entry for this variant (Variation ID: 441303). Studies have shown disruption of this splice site is associated with multiple isoforms, but one or more of the resulting mRNA isoform(s) may be naturally occurring (PMID: 24569164, 32398771; internal data). In summary, the available evidence is currently insufficient to determine the role of this variant in disease. Therefore, it has been classified as a Variant of Uncertain Significance.

Ambry Genetics
Classification: Uncertain significance for Hereditary cancer-predisposing syndrome. Last evaluated: 2024-10-25. Review status: criteria provided, single submitter. Criteria: Ambry Variant Classification Scheme 2023. Collection method: clinical testing. Allele origin: germline.
Comment: The c.594-1G>A intronic variant results from a G to A substitution one nucleotide upstream from coding exon 8 of the BRCA1 gene. Alterations that disrupt the canonical splice site are expected to cause aberrant splicing, resulting in an abnormal protein or a transcript that is subject to nonsense-mediated mRNA decay; however, this alteration occurs at a splice junction that is located at a naturally occurring, alternatively spliced exon and, thus, the degree and effects of abnormal splicing cannot be predicted (Colombo M et al. Hum. Mol. Genet., 2014 Jul;23:3666-80). Since supporting evidence is limited at this time, the clinical significance of this alteration remains unclear.

Color Diagnostics, LLC DBA Color Health
Classification: Uncertain significance for Hereditary cancer-predisposing syndrome. Last evaluated: 2021-03-23. Review status: criteria provided, single submitter. Criteria: ACMG Guidelines, 2015. Collection method: clinical testing. Allele origin: germline.
Comment: This variant causes a G>A nucleotide substitution at the -1 position of intron 8 of the BRCA1 gene. While this variant is expected to disrupt the intron 8 splice acceptor site, another canonical splice site variant, c.594-2A>C, at this splice site was found not to segregate with breast or ovarian cancer (PMID: 25639900, 27008870) and it has been observed in trans with a pathogenic BRCA1 co-variant in an individual who did not have early-developmental phenotype (PMID: 26884819). The naturally-occurring and functional alternative BRCA1 transcript lacking exons 8 and 9 is thought to ameliorate canonical splice site variants in exons 8 and 9 (PMID: 19892845, 27008870). To our knowledge, functional studies have not been performed for this variant. This variant has been reported in an individual affected with breast cancer (PMID: 28664506). This variant has been identified in 1/249902 chromosomes in the general population by the Genome Aggregation Database (gnomAD). The available evidence is insufficient to determine the role of this variant in disease conclusively. Therefore, this variant is classified as a Variant of Uncertain Significance.

Literature cited by the submitters: PubMed 20104584 (cited by Labcorp Genetics (formerly Invitae), Labcorp); PubMed 24569164 (cited by Labcorp Genetics (formerly Invitae), Labcorp and Ambry Genetics); PubMed 33151324 (cited by Labcorp Genetics (formerly Invitae), Labcorp); PubMed 32398771 (cited by Labcorp Genetics (formerly Invitae), Labcorp); PubMed 28664506 (cited by Ambry Genetics).